The following is an entry in ClinVar:

NM_014324.6(AMACR):c.818A>G (p.Asp273Gly)

Genes: C1QTNF3-AMACR (C1QTNF3-AMACR readthrough (NMD candidate); minus strand), AMACR (alpha-methylacyl-CoA racemase; minus strand). Cytogenetic location: 5p13.2.
Variant type: single nucleotide variant.
Coding change: c.818A>G on transcript NM_014324.6 (MANE Select); coding-DNA position 818, A replaced by G.
Protein change: p.Asp273Gly; replaces aspartic acid 273 with glycine.
Molecular consequence: missense variant. On other transcripts: non-coding transcript variant (1), 3 prime UTR variant (1).
Genome position (GRCh38, 1-based): chr5:33,989,424, T>C on the plus strand (A>G on the coding strand, the complement: AMACR is on the minus strand). VCF-style: chr5-33989424-T-C. GRCh37 (hg19) VCF-style: chr5-33989529-T-C.
Other names: c.818A>G, p.Asp273Gly (NM_001167595.2); c.*60A>G (NM_203382.3); c.818A>G (NM_014324.5); short protein forms D273G.
Identifiers: ClinVar variation 1410694 (VCV001410694.6), dbSNP rs1049451904, ClinGen allele CA116908379.
Genomic context (GRCh38, chr5:33,989,424, plus strand): 5'-CAGGCATCTGTGCCGTCAAAGATTTGACACCACTCTGCCTTCGTCTTCTCTGCAAATACA[T>C]CTGCAAACTTCTTCTTCATTTCTGGCCAATCATCCATGCTCATCTGATTGGGAAGTTCAT-3'
Protein context (NP_055139.4, residues 263-283): DWPEMKKKFA[Asp273Gly]VFAEKTKAEW

ClinVar aggregate classification (germline): Uncertain significance. Review status: criteria provided, multiple submitters, no conflicts (2 of 4 stars). 2 submissions from 2 submitters: Uncertain significance (2). Last evaluated 2025-10-29.

Conditions:
Inborn genetic diseases. Identifiers: MedGen C0950123, MeSH D030342.
Alpha-methylacyl-CoA racemase deficiency (AMACRD). Also called: AMACR deficiency. Identifiers: Orphanet 79095, MedGen C3280428, MONDO:0013681, OMIM 614307. Disease mechanism: loss of function.

Allele frequency attached by ClinVar (database versions not stated): gnomAD exomes below 0.00001; gnomAD 0.00003; TOPMed 0.00005.
gnomAD v4.1: 7 of 1,614,082 alleles (0.00043%); highest among the groups gnomAD compares: African/African-American, 0.004%; no homozygotes.

Submissions (2):

Ambry Genetics
Classification: Uncertain significance for Inborn genetic diseases. Last evaluated: 2025-10-29. Review status: criteria provided, single submitter. Criteria: Ambry Variant Classification Scheme 2023. Collection method: clinical testing. Allele origin: germline.

Labcorp Genetics (formerly Invitae), Labcorp
Classification: Uncertain significance for Alpha-methylacyl-CoA racemase deficiency. Last evaluated: 2022-08-23. Review status: criteria provided, single submitter. Criteria: Invitae Variant Classification Sherloc (09022015). Collection method: clinical testing. Allele origin: germline.
Comment: This sequence change replaces aspartic acid, which is acidic and polar, with glycine, which is neutral and non-polar, at codon 273 of the AMACR protein (p.Asp273Gly). This variant is not present in population databases (gnomAD no frequency). This variant has not been reported in the literature in individuals affected with AMACR-related conditions. ClinVar contains an entry for this variant (Variation ID: 1410694). Algorithms developed to predict the effect of missense changes on protein structure and function output the following: SIFT: "Tolerated"; PolyPhen-2: "Benign"; Align-GVGD: "Class C0". The glycine amino acid residue is found in multiple mammalian species, which suggests that this missense change does not adversely affect protein function. Algorithms developed to predict the effect of sequence changes on RNA splicing suggest that this variant may create or strengthen a splice site. In summary, the available evidence is currently insufficient to determine the role of this variant in disease. Therefore, it has been classified as a Variant of Uncertain Significance.